The following is an entry in ClinVar:

NM_000090.4(COL3A1):c.2399G>A (p.Arg800Lys)

Genes: COL3A1 (collagen type III alpha 1 chain; plus strand), LOC126806446 (P300/CBP strongly-dependent group 1 enhancer GRCh37_chr2:189866210-189867409; plus strand). Cytogenetic location: 2q32.2.
Variant type: single nucleotide variant.
Coding change: c.2399G>A on transcript NM_000090.4 (MANE Select); coding-DNA position 2399, G replaced by A.
Protein change: p.Arg800Lys; replaces arginine 800 with lysine.
Molecular consequence: missense variant.
Genome position (GRCh38, 1-based): chr2:189,002,305, G>A. VCF-style: chr2-189002305-G-A. GRCh37 (hg19) VCF-style: chr2-189867031-G-A.
Other names: short protein forms R800K.
Identifiers: ClinVar variation 459774 (VCV000459774.9), dbSNP rs199564715, ClinGen allele CA62555977.

ClinVar aggregate classification (germline): Uncertain significance. Review status: criteria provided, multiple submitters, no conflicts (2 of 4 stars). 4 submissions from 4 submitters: Uncertain significance (4). Last evaluated 2026-04-17.

Conditions:
Familial thoracic aortic aneurysm and aortic dissection (TAAD). Also called: Thoracic aortic aneurysms and dissections. Identifiers: Orphanet 91387, MedGen C4707243, MONDO:0019625.
Ehlers-Danlos syndrome, type 4 (EDSVASC). Also called: Ehlers-Danlos syndrome vascular type; Ehlers Danlos syndrome, ecchymotic type; Ehlers Danlos syndrome, arterial type; Ehlers Danlos syndrome, Sack-Barabas type; Ehlers-Danlos Syndrome Type IV. Identifiers: Orphanet 286, MedGen C0268338, MONDO:0017314, OMIM 130050.

Submissions (4):

Women's Health and Genetics/Laboratory Corporation of America, LabCorp
Classification: Uncertain significance. Last evaluated: 2026-04-17. Review status: criteria provided, single submitter. Criteria: LabCorp Variant Classification Summary - May 2015. Collection method: clinical testing. Allele origin: germline.
Comment: Variant summary: COL3A1 c.2399G>A (p.Arg800Lys) results in a conservative amino acid change in the encoded protein sequence. Algorithms developed to predict the effect of missense changes on protein structure and function are either unavailable or do not agree on the potential impact of this missense change. The variant was absent in 251368 control chromosomes. The available data on variant occurrences in the general population are insufficient to allow any conclusion about variant significance. To our knowledge, no occurrence of c.2399G>A in individuals affected with COL3A1-related conditions and no experimental evidence demonstrating its impact on protein function have been reported. ClinVar contains an entry for this variant (Variation ID: 459774). Based on the evidence outlined above, the variant was classified as uncertain significance.

Color Diagnostics, LLC DBA Color Health
Classification: Uncertain significance for Familial thoracic aortic aneurysm and aortic dissection. Last evaluated: 2025-11-17. Review status: criteria provided, single submitter. Criteria: ACMG Guidelines, 2015. Collection method: clinical testing. Allele origin: germline.
Comment: This missense variant replaces arginine with lysine at codon 800 of the COL3A1 protein. Computational prediction suggests that this variant may not impact protein structure and function. To our knowledge, functional studies have not been reported for this variant. This variant has not been reported in individuals affected with COL3A1-related disorders in the literature. This variant has not been identified in the general population by the Genome Aggregation Database (gnomAD). The available evidence is insufficient to determine the role of this variant in disease conclusively. Therefore, this variant is classified as a Variant of Uncertain Significance.

ARUP Laboratories, Molecular Genetics and Genomics, ARUP Laboratories
Classification: Uncertain significance. Last evaluated: 2023-05-02. Review status: criteria provided, single submitter. Criteria: ARUP Molecular Germline Variant Investigation Process 2024. Collection method: clinical testing. Allele origin: germline.
Comment: The COL3A1 c2399G>A; p.Arg800Lys variant (rs199564715), to our knowledge, is not reported in the medical literature but is reported in ClinVar (Variation ID: 459774). This variant is absent from the Genome Aggregation Database, indicating it is not a common polymorphism. Computational analyses are uncertain whether this variant is neutral or deleterious (REVEL: 0.461). Due to limited information, the clinical significance of this variant is uncertain at this time.

Labcorp Genetics (formerly Invitae), Labcorp
Classification: Uncertain significance for Ehlers-Danlos syndrome, type 4. Last evaluated: 2021-08-31. Review status: criteria provided, single submitter. Criteria: Invitae Variant Classification Sherloc (09022015). Collection method: clinical testing. Allele origin: germline.
Comment: This sequence change replaces arginine with lysine at codon 800 of the COL3A1 protein (p.Arg800Lys). The arginine residue is highly conserved and there is a small physicochemical difference between arginine and lysine. This variant is not present in population databases (ExAC no frequency). This variant has not been reported in the literature in individuals affected with COL3A1-related conditions. Algorithms developed to predict the effect of missense changes on protein structure and function (SIFT, PolyPhen-2, Align-GVGD) all suggest that this variant is likely to be disruptive. In summary, the available evidence is currently insufficient to determine the role of this variant in disease. Therefore, it has been classified as a Variant of Uncertain Significance.